The following is an entry in ClinVar:

ClinVar aggregate classification (germline): Uncertain significance (1 of 4 stars; one submission).

Allele frequency attached by ClinVar (database versions not stated): gnomAD exomes below 0.00001.
gnomAD v4.1: 1 of 1,611,942 alleles (0.000062%); highest among the groups gnomAD compares: Admixed American, 0.0017%; no homozygotes.

Submission:

Labcorp Genetics (formerly Invitae), Labcorp
Classification: Uncertain significance. Last evaluated: 2022-09-29. Review status: criteria provided, single submitter. Criteria: Invitae Variant Classification Sherloc (09022015). Collection method: clinical testing. Allele origin: germline.
Comment: In summary, the available evidence is currently insufficient to determine the role of this variant in disease. Therefore, it has been classified as a Variant of Uncertain Significance. This sequence change replaces lysine, which is basic and polar, with glutamic acid, which is acidic and polar, at codon 1954 of the TRRAP protein (p.Lys1954Glu). This variant is present in population databases (no rsID available, gnomAD 0.003%). This variant has not been reported in the literature in individuals affected with TRRAP-related conditions. Algorithms developed to predict the effect of missense changes on protein structure and function are either unavailable or do not agree on the potential impact of this missense change (SIFT: "Tolerated"; PolyPhen-2: "Possibly Damaging"; Align-GVGD: "Class C0").

NM_001375524.1(TRRAP):c.5935A>G (p.Lys1979Glu)

Gene: TRRAP (transformation/transcription domain associated protein; plus strand). Cytogenetic location: 7q22.1.
Variant type: single nucleotide variant.
Coding change: c.5935A>G on transcript NM_001375524.1 (MANE Select); coding-DNA position 5935, A replaced by G.
Protein change: p.Lys1979Glu; replaces lysine 1979 with glutamic acid.
Molecular consequence: missense variant.
Genome position (GRCh38, 1-based): chr7:98,955,302, A>G. VCF-style: chr7-98955302-A-G. GRCh37 (hg19) VCF-style: chr7-98552925-A-G.
Other names: c.5914A>G, p.Lys1972Glu (NM_001244580.2); c.5860A>G, p.Lys1954Glu (NM_003496.4); short protein forms K1972E, K1954E, K1979E.
Identifiers: ClinVar variation 2001834 (VCV002001834.4), dbSNP rs1554419357, ClinGen allele CA368324498.